The following is an entry in ClinVar:

ClinVar aggregate classification (germline): Pathogenic (1 of 4 stars; one submission).

Conditions:
Osteogenesis imperfecta type I (OI1). Also called: Lobstein disease; OI, TYPE I; OSTEOGENESIS IMPERFECTA TARDA; OSTEOGENESIS IMPERFECTA WITH BLUE SCLERAE; Osteogenesis imperfecta type 1; Lobstein's Disease. Identifiers: Orphanet 216796, Orphanet 666, MedGen C0023931, MONDO:0008146, OMIM 166200. Disease mechanism: loss of function.
Ehlers-Danlos syndrome, classic type, 1 (EDSCL1). Also called: EDS I; EHLERS-DANLOS SYNDROME, GRAVIS TYPE; EHLERS-DANLOS SYNDROME, SEVERE CLASSIC TYPE; Ehlers-Danlos syndrome, type 1; Ehlers-Danlos Syndrome, Classic Type, COL5A1-Related. Identifiers: MedGen C0268335, MONDO:0019567, OMIM 130000.

Submission:

Labcorp Genetics (formerly Invitae), Labcorp
Classification: Pathogenic for Osteogenesis imperfecta type I; Ehlers-Danlos syndrome, classic type, 1. Last evaluated: 2024-03-23. Review status: criteria provided, single submitter. Criteria: Invitae Variant Classification Sherloc (09022015). Collection method: clinical testing. Allele origin: germline.
Comment: This sequence change replaces glycine, which is neutral and non-polar, with serine, which is neutral and polar, at codon 544 of the COL1A2 protein (p.Gly544Ser). This variant is not present in population databases (gnomAD no frequency). This missense change has been observed in individual(s) with autosomal dominant osteogenesis imperfecta (PMID: 17078022). Advanced modeling of protein sequence and biophysical properties (such as structural, functional, and spatial information, amino acid conservation, physicochemical variation, residue mobility, and thermodynamic stability) performed at Invitae indicates that this missense variant is expected to disrupt COL1A2 protein function with a positive predictive value of 95%. This variant disrupts the triple helix domain of COL1A2. Glycine residues within the Gly-Xaa-Yaa repeats of the triple helix domain are required for the structure and stability of fibrillar collagens (PMID: 7695699, 8218237, 19344236). In COL1A2, variants affecting these glycine residues are significantly enriched in individuals with disease (PMID: 9016532, 17078022) compared to the general population (ExAC). This variant disrupts the p.Gly544 amino acid residue in COL1A2. Other variant(s) that disrupt this residue have been observed in individuals with COL1A2-related conditions (PMID: 17078022), which suggests that this may be a clinically significant amino acid residue. For these reasons, this variant has been classified as Pathogenic.

Literature cited by the submitters: PubMed 17078022; PubMed 7695699; PubMed 8218237; PubMed 19344236; PubMed 9016532.

NM_000089.4(COL1A2):c.1630G>A (p.Gly544Ser)

Gene: COL1A2 (collagen type I alpha 2 chain; plus strand). Cytogenetic location: 7q21.3.
Variant type: single nucleotide variant.
Coding change: c.1630G>A on transcript NM_000089.4 (MANE Select); coding-DNA position 1630, G replaced by A.
Protein change: p.Gly544Ser; replaces glycine 544 with serine.
Molecular consequence: missense variant.
Genome position (GRCh38, 1-based): chr7:94,413,912, G>A. VCF-style: chr7-94413912-G-A. GRCh37 (hg19) VCF-style: chr7-94043224-G-A.
Other names: short protein forms G544S.
Identifiers: ClinVar variation 2925410 (VCV002925410.3), dbSNP rs72658134, ClinGen allele CA162926836.